The following is an entry in ClinVar:

NM_032217.5(ANKRD17):c.4298A>T (p.Lys1433Met)

Gene: ANKRD17 (ankyrin repeat domain 17; minus strand). Cytogenetic location: 4q13.3.
Variant type: single nucleotide variant.
Coding change: c.4298A>T on transcript NM_032217.5 (MANE Select); coding-DNA position 4298, A replaced by T.
Protein change: p.Lys1433Met; replaces lysine 1433 with methionine.
Molecular consequence: missense variant.
Genome position (GRCh38, 1-based): chr4:73,113,895, T>A on the plus strand (A>T on the coding strand, the complement: ANKRD17 is on the minus strand). VCF-style: chr4-73113895-T-A. GRCh37 (hg19) VCF-style: chr4-73979612-T-A.
Other names: c.3959A>T, p.Lys1320Met (NM_001286771.3); c.4295A>T, p.Lys1432Met (NM_015574.2); c.3545A>T, p.Lys1182Met (NM_198889.3); short protein forms K1182M, K1320M, K1432M, K1433M.
Identifiers: ClinVar variation 3349155 (VCV003349155.1).

ClinVar aggregate classification (germline): Uncertain significance (0 of 4 stars; one submission).

Conditions:
ANKRD17-related disorder. Also called: ANKRD17-related condition.

Submission:

PreventionGenetics, part of Exact Sciences
Classification: Uncertain significance for ANKRD17-related condition. Last evaluated: 2024-04-01. Review status: no assertion criteria provided. Collection method: clinical testing. Allele origin: germline.
Comment: The ANKRD17 c.4298A>T variant is predicted to result in the amino acid substitution p.Lys1433Met. To our knowledge, this variant has not been reported in the literature or in a large population database, indicating this variant is rare. At this time, the clinical significance of this variant is uncertain due to the absence of conclusive functional and genetic evidence.